The following is an entry in ClinVar:

NM_001203.3(BMPR1B):c.247G>C (p.Asp83His)

Gene: BMPR1B (bone morphogenetic protein receptor type 1B; plus strand). Cytogenetic location: 4q22.3.
Variant type: single nucleotide variant.
Coding change: c.247G>C on transcript NM_001203.3 (MANE Select); coding-DNA position 247, G replaced by C.
Protein change: p.Asp83His; replaces aspartic acid 83 with histidine.
Molecular consequence: missense variant.
Genome position (GRCh38, 1-based): chr4:95,115,685, G>C. VCF-style: chr4-95115685-G-C. GRCh37 (hg19) VCF-style: chr4-96036836-G-C.
Other names: c.247G>C, p.Asp83His (NM_001256792.2, NM_001256794.1); c.337G>C, p.Asp113His (NM_001256793.2); short protein forms D113H, D83H.
Identifiers: ClinVar variation 2937962 (VCV002937962.3), dbSNP rs369807264, ClinGen allele CA3014922.

ClinVar aggregate classification (germline): Uncertain significance (1 of 4 stars; one submission).

Conditions:
Type A2 brachydactyly (BDA2). Also called: BRACHYMESOPHALANGY II; MOHR-WRIEDT TYPE BRACHYDACTYLY; Brachymesophalangy type 2. Identifiers: Orphanet 93396, MedGen C1832702, MONDO:0007216, OMIM 112600, HP:0009372.
Acromesomelic dysplasia 3 (AMD3). Also called: Acromesomelic dysplasia, Demirhan type; CHONDRODYSPLASIA, ACROMESOMELIC, WITH OR WITHOUT GENITAL ANOMALIES. Identifiers: MedGen C4225404, MONDO:0012274, OMIM 609441.

Allele frequency attached by ClinVar (database versions not stated): ESP Exome Variant Server 0.00008.
gnomAD v4.1: 32 of 1,612,336 alleles (0.002%); highest among the groups gnomAD compares: South Asian, 0.021%; no homozygotes.

Submission:

Labcorp Genetics (formerly Invitae), Labcorp
Classification: Uncertain significance for Type A2 brachydactyly; Acromesomelic dysplasia 3. Last evaluated: 2024-12-23. Review status: criteria provided, single submitter. Criteria: Invitae Variant Classification Sherloc (09022015). Collection method: clinical testing. Allele origin: germline.
Comment: This sequence change replaces aspartic acid, which is acidic and polar, with histidine, which is basic and polar, at codon 83 of the BMPR1B protein (p.Asp83His). This variant is present in population databases (rs369807264, gnomAD 0.02%). This variant has not been reported in the literature in individuals affected with BMPR1B-related conditions. ClinVar contains an entry for this variant (Variation ID: 2937962). An algorithm developed to predict the effect of missense changes on protein structure and function (PolyPhen-2) suggests that this variant is likely to be disruptive. In summary, the available evidence is currently insufficient to determine the role of this variant in disease. Therefore, it has been classified as a Variant of Uncertain Significance.